The following is an entry in ClinVar:

ClinVar aggregate classification (germline): Uncertain significance. Review status: criteria provided, multiple submitters, no conflicts (2 of 4 stars). 4 submissions from 4 submitters: Uncertain significance (3). 1 of the submissions does not count toward it. Last evaluated 2023-10-25.

Conditions:
UGT1A1-related disorder. Also called: UGT1A1-related disorders; UGT1A1-related condition.
Inborn genetic diseases. Identifiers: MedGen C0950123, MeSH D030342.

Allele frequency attached by ClinVar (database versions not stated): gnomAD 0.00010; TOPMed 0.00010.
gnomAD v4.1: 21 of 1,614,038 alleles (0.0013%); highest among the groups gnomAD compares: African/African-American, 0.025%; no homozygotes.

Submissions (4):

Ambry Genetics
Classification: Uncertain significance for Inborn genetic diseases. Last evaluated: 2023-10-25. Review status: criteria provided, single submitter. Criteria: Ambry Variant Classification Scheme 2023. Collection method: clinical testing. Allele origin: germline.

Labcorp Genetics (formerly Invitae), Labcorp
Classification: Uncertain significance. Last evaluated: 2021-10-25. Review status: criteria provided, single submitter. Criteria: Invitae Variant Classification Sherloc (09022015). Collection method: clinical testing. Allele origin: germline.
Comment: In summary, the available evidence is currently insufficient to determine the role of this variant in disease. Therefore, it has been classified as a Variant of Uncertain Significance. Algorithms developed to predict the effect of missense changes on protein structure and function are either unavailable or do not agree on the potential impact of this missense change (SIFT: "Not Available"; PolyPhen-2: "Probably Damaging"; Align-GVGD: "Not Available"). ClinVar contains an entry for this variant (Variation ID: 596188). This variant has not been reported in the literature in individuals affected with UGT1A1-related conditions. This variant is present in population databases (rs778667717, gnomAD 0.03%). This sequence change replaces arginine, which is basic and polar, with leucine, which is neutral and non-polar, at codon 515 of the UGT1A1 protein (p.Arg515Leu).

Eurofins Ntd Llc (ga)
Classification: Uncertain significance. Last evaluated: 2018-02-20. Review status: criteria provided, single submitter. Criteria: EGL ClinVar v180209 classification definitions. Collection method: clinical testing. Allele origin: germline. Observed: 1 variant allele, 1 heterozygote.

PreventionGenetics, part of Exact Sciences
Classification: Uncertain significance for UGT1A1-related condition. Last evaluated: 2024-08-29. Review status: no assertion criteria provided. Collection method: clinical testing. Allele origin: germline. Not counted in ClinVar's aggregate classification.
Comment: The UGT1A1 c.1544G>T variant is predicted to result in the amino acid substitution p.Arg515Leu. To our knowledge, this variant has not been reported in the literature. This variant is reported in 0.032% of alleles in individuals of African descent in gnomAD. At this time, the clinical significance of this variant is uncertain due to the absence of conclusive functional and genetic evidence.

NM_000463.3(UGT1A1):c.1544G>T (p.Arg515Leu)

Genes: UGT1A6 (UDP glucuronosyltransferase family 1 member A6; plus strand), UGT1A5 (UDP glucuronosyltransferase family 1 member A5; plus strand), UGT1A7 (UDP glucuronosyltransferase family 1 member A7; plus strand), UGT1A8 (UDP glucuronosyltransferase family 1 member A8; plus strand), UGT1A4 (UDP glucuronosyltransferase family 1 member A4; plus strand) and 5 more. Cytogenetic location: 2q37.1.
Variant type: single nucleotide variant.
Coding change: c.1544G>T on transcript NM_000463.3 (MANE Select); coding-DNA position 1544, G replaced by T.
Protein change: p.Arg515Leu; replaces arginine 515 with leucine.
Molecular consequence: missense variant.
Genome position (GRCh38, 1-based): chr2:233,772,501, G>T. VCF-style: chr2-233772501-G-T. GRCh37 (hg19) VCF-style: chr2-234681147-G-T.
Other names: c.1535G>T, p.Arg512Leu (NM_021027.3, NM_019075.4, NM_019076.5 and 1 more transcripts); c.1547G>T, p.Arg516Leu (NM_007120.3, NM_019093.4, NM_019078.2); c.1541G>T, p.Arg514Leu (NM_001072.4); c.740G>T, p.Arg247Leu (NM_205862.3); short protein forms R515L, R247L, R516L, R512L, R514L.
Identifiers: ClinVar variation 596188 (VCV000596188.11), dbSNP rs778667717, ClinGen allele CA2180156.
Genomic context (GRCh38, chr2:233,772,501, plus strand): 5'-TCTTGGCCGTCGTGCTGACAGTGGCCTTCATCACCTTTAAATGTTGTGCTTATGGCTACC[G>T]GAAATGCTTGGGGAAAAAAGGGCGAGTTAAGAAAGCCCACAAATCCAAGACCCATTGAGA-3'
Protein context (NP_000454.1, residues 505-525): ITFKCCAYGY[Arg515Leu]KCLGKKGRVK